The following is an entry in ClinVar:

ClinVar aggregate classification (germline): Uncertain significance (1 of 4 stars; one submission).

gnomAD v4.1: 10 of 1,488,164 alleles (0.00067%); highest among the groups gnomAD compares: South Asian, 0.0084%; no homozygotes.

Submission:

Labcorp Genetics (formerly Invitae), Labcorp
Classification: Uncertain significance. Last evaluated: 2024-10-30. Review status: criteria provided, single submitter. Criteria: Invitae Variant Classification Sherloc (09022015). Collection method: clinical testing. Allele origin: germline.
Comment: This sequence change replaces aspartic acid, which is acidic and polar, with asparagine, which is neutral and polar, at codon 382 of the ARHGEF1 protein (p.Asp382Asn). The frequency data for this variant in the population databases is considered unreliable, as metrics indicate poor data quality at this position in the gnomAD database. This variant has not been reported in the literature in individuals affected with ARHGEF1-related conditions. An algorithm developed to predict the effect of missense changes on protein structure and function (PolyPhen-2) suggests that this variant is likely to be tolerated. In summary, the available evidence is currently insufficient to determine the role of this variant in disease. Therefore, it has been classified as a Variant of Uncertain Significance.

NM_004706.4(ARHGEF1):c.1099G>A (p.Asp367Asn)

Gene: ARHGEF1 (Rho guanine nucleotide exchange factor 1; plus strand). Cytogenetic location: 19q13.2.
Variant type: single nucleotide variant.
Coding change: c.1099G>A on transcript NM_004706.4 (MANE Select); coding-DNA position 1099, G replaced by A.
Protein change: p.Asp367Asn; replaces aspartic acid 367 with asparagine.
Molecular consequence: missense variant. On other transcripts: non-coding transcript variant (2).
Genome position (GRCh38, 1-based): chr19:41,896,460, G>A. VCF-style: chr19-41896460-G-A. GRCh37 (hg19) VCF-style: chr19-42400533-G-A.
Other names: c.1099G>A, p.Asp367Asn (NM_001396000.1, NM_001396003.1, NM_001396006.1); c.1000G>A, p.Asp334Asn (NM_001396002.1, NM_001396004.1, NM_198977.2); c.1144G>A, p.Asp382Asn (NM_199002.2); short protein forms D382N, D334N, D367N.
Identifiers: ClinVar variation 3660139 (VCV003660139.2).